The following is an entry in ClinVar:

ClinVar aggregate classification (germline): Uncertain significance (1 of 4 stars; one submission).

Conditions:
Epidermolysis bullosa simplex 3, localized or generalized intermediate, with BP230 deficiency (EBS3). Also called: Epidermolysis bullosa simplex due to BP230 deficiency; Epidermolysis bullosa simplex, autosomal recessive 2. Identifiers: Orphanet 412181, MedGen C3809470, MONDO:0014180, OMIM 615425.
Hereditary sensory and autonomic neuropathy type 6. Also called: Neuropathy, hereditary sensory and autonomic, type VI; HSAN VI. Identifiers: Orphanet 314381, MedGen C3539003, MONDO:0013839, OMIM 614653.

gnomAD v4.1: 1 of 1,614,022 alleles (0.000062%); highest among the groups gnomAD compares: African/African-American, 0.0013%; no homozygotes.

Submission:

Labcorp Genetics (formerly Invitae), Labcorp
Classification: Uncertain significance for Epidermolysis bullosa simplex 3, localized or generalized intermediate, with BP230 deficiency; Hereditary sensory and autonomic neuropathy type 6. Last evaluated: 2024-09-19. Review status: criteria provided, single submitter. Criteria: Invitae Variant Classification Sherloc (09022015). Collection method: clinical testing. Allele origin: germline.
Comment: This sequence change replaces serine, which is neutral and polar, with leucine, which is neutral and non-polar, at codon 243 of the DST protein (p.Ser243Leu). This variant is not present in population databases (gnomAD no frequency). This variant has not been reported in the literature in individuals affected with DST-related conditions. An algorithm developed to predict the effect of missense changes on protein structure and function outputs the following: PolyPhen-2: "Benign". The leucine amino acid residue is found in multiple mammalian species, which suggests that this missense change does not adversely affect protein function. In summary, the available evidence is currently insufficient to determine the role of this variant in disease. Therefore, it has been classified as a Variant of Uncertain Significance.

NM_001374736.1(DST):c.2339C>T (p.Ser780Leu)

Gene: DST (dystonin; minus strand). Cytogenetic location: 6p12.1.
Variant type: single nucleotide variant.
Coding change: c.2339C>T on transcript NM_001374736.1 (MANE Select); coding-DNA position 2339, C replaced by T.
Protein change: p.Ser780Leu; replaces serine 780 with leucine.
Molecular consequence: missense variant.
Genome position (GRCh38, 1-based): chr6:56,640,294, G>A on the plus strand (C>T on the coding strand, the complement: DST is on the minus strand). VCF-style: chr6-56640294-G-A. GRCh37 (hg19) VCF-style: chr6-56505092-G-A.
Other names: c.1706C>T, p.Ser569Leu (NM_001374730.1, NM_001386100.1, NM_183380.4 and 1 more transcripts); c.2366C>T, p.Ser789Leu (NM_001374734.1); c.728C>T, p.Ser243Leu (NM_001723.7, NM_015548.5); c.2240C>T, p.Ser747Leu (NM_001144769.5); c.1826C>T, p.Ser609Leu (NM_001144770.2); c.2339C>T, p.Ser780Leu (NM_001374722.1); short protein forms S243L, S569L, S609L, S747L, S780L, S789L.
Identifiers: ClinVar variation 3762512 (VCV003762512.2).